The following is an entry in ClinVar:

ClinVar aggregate classification (germline): Likely benign (1 of 4 stars; one submission).

Allele frequency attached by ClinVar (database versions not stated): gnomAD exomes 0.00002; gnomAD 0.00007; TOPMed 0.00011.
gnomAD v4.1: 41 of 1,614,120 alleles (0.0025%); highest among the groups gnomAD compares: Admixed American, 0.012%; no homozygotes.

Submission:

CeGaT Center for Human Genetics Tuebingen
Classification: Likely benign. Last evaluated: 2022-04-01. Review status: criteria provided, single submitter. Criteria: CeGaT Center For Human Genetics Tuebingen Variant Classification Criteria Version 2. Collection method: clinical testing. Allele origin: germline. Affected: yes. Observed: 1 variant allele.
Comment: IGFN1: BP4, BP7

NM_001164586.2(IGFN1):c.10086G>A (p.Thr3362=)

Gene: IGFN1 (immunoglobulin like and fibronectin type III domain containing 1; plus strand). Cytogenetic location: 1q32.1.
Variant type: single nucleotide variant.
Coding change: c.10086G>A on transcript NM_001164586.2 (MANE Select); coding-DNA position 10086, G replaced by A.
Protein change: p.Thr3362=; no amino-acid change (threonine 3362 retained).
Molecular consequence: synonymous variant.
Genome position (GRCh38, 1-based): chr1:201,221,631, G>A. VCF-style: chr1-201221631-G-A. GRCh37 (hg19) VCF-style: chr1-201190759-G-A.
Other names: c.2715G>A, p.Thr905= (NM_001367841.1).
Identifiers: ClinVar variation 2639774 (VCV002639774.24), dbSNP rs368398343, ClinGen allele CA1323507.